The following is an entry in ClinVar:

NM_000297.4(PKD2):c.2402G>A (p.Ser801Asn)

Gene: PKD2 (polycystin 2, transient receptor potential cation channel; plus strand). Cytogenetic location: 4q22.1.
Variant type: single nucleotide variant.
Coding change: c.2402G>A on transcript NM_000297.4 (MANE Select); coding-DNA position 2402, G replaced by A.
Protein change: p.Ser801Asn; replaces serine 801 with asparagine.
Molecular consequence: missense variant. On other transcripts: non-coding transcript variant (1).
Genome position (GRCh38, 1-based): chr4:88,067,941, G>A. VCF-style: chr4-88067941-G-A. GRCh37 (hg19) VCF-style: chr4-88989093-G-A.
Other names: c.2177G>A, p.Ser726Asn (NM_001440544.1); short protein forms S801N, S726N.
Identifiers: ClinVar variation 5002522 (VCV005002522.1).
Genomic context (GRCh38, chr4:88,067,941, plus strand): 5'-GACCCCTTGTTCTTCAGGAGGACCTGGATTTGGATCACAGTTCTTTACCACGTCCCATGA[G>A]CAGCCGAAGTTTCCCTCGAAGCCTGGATGACTCTGAGGAGGATGACGATGAAGATAGCGG-3'
Protein context (NP_000288.1, residues 791-811): LDHSSLPRPM[Ser801Asn]SRSFPRSLDD

ClinVar aggregate classification (germline): Uncertain significance (1 of 4 stars; one submission).

Conditions:
PKD2-related disorder. Also called: PKD2-related condition.

Submission:

PreventionGenetics, part of Exact Sciences
Classification: Uncertain significance for PKD2-related condition. Last evaluated: 2026-05-21. Review status: criteria provided, single submitter. Criteria: ACMG Guidelines, 2015. Collection method: clinical testing. Allele origin: germline.
Comment: The PKD2 c.2402G>A variant is predicted to result in the amino acid substitution p.Ser801Asn. To our knowledge, this variant has not been reported in the literature or in a large population database (gnomAD), indicating this variant is rare. At this time, the clinical significance of this variant is uncertain due to the absence of conclusive functional and genetic evidence.